The following is an entry in ClinVar:

NM_005611.4(RBL2):c.2487A>T (p.Arg829Ser)

Gene: RBL2 (RB transcriptional corepressor like 2; plus strand). Cytogenetic location: 16q12.2.
Variant type: single nucleotide variant.
Coding change: c.2487A>T on transcript NM_005611.4 (MANE Select); coding-DNA position 2487, A replaced by T.
Protein change: p.Arg829Ser; replaces arginine 829 with serine.
Molecular consequence: missense variant. On other transcripts: intron variant (1).
Genome position (GRCh38, 1-based): chr16:53,470,624, A>T. VCF-style: chr16-53470624-A-T. GRCh37 (hg19) VCF-style: chr16-53504536-A-T.
Other names: c.2487A>T, p.Arg829Ser (NM_001323608.2, NM_001323609.2); c.2265A>T, p.Arg755Ser (NM_001323611.1); c.2379+108A>T (NM_001323610.2); short protein forms R829S, R755S.
Identifiers: ClinVar variation 791103 (VCV000791103.29), dbSNP rs61747629, ClinGen allele CA8056558.

ClinVar aggregate classification (germline): Benign. Review status: criteria provided, multiple submitters, no conflicts (2 of 4 stars). 3 submissions from 3 submitters: Benign (3). Last evaluated 2026-09-01.

Allele frequency attached by ClinVar (database versions not stated): 1000 Genomes Project 0.00379; 1000 Genomes Project 30x 0.00406; ExAC 0.00693; gnomAD exomes 0.00712 and 0.01089; gnomAD 0.00736 and 0.00805; TOPMed 0.00792; ESP Exome Variant Server 0.00854.
gnomAD v4.1: 17,078 of 1,614,164 alleles (1.1%); highest among the groups gnomAD compares: Non-Finnish European, 1.3%; 107 homozygotes.

Submissions (3):

CeGaT Center for Human Genetics Tuebingen
Classification: Benign. Last evaluated: 2026-09-01. Review status: criteria provided, single submitter. Criteria: CeGaT Center For Human Genetics Tuebingen Variant Classification Criteria Version 2. Collection method: clinical testing. Allele origin: germline. Affected: yes. Observed: 9 variant alleles.
Comment: RBL2: BP4, BS1, BS2

Labcorp Genetics (formerly Invitae), Labcorp
Classification: Benign. Last evaluated: 2019-12-31. Review status: criteria provided, single submitter. Criteria: Invitae Variant Classification Sherloc (09022015). Collection method: clinical testing. Allele origin: germline.

Breakthrough Genomics
Classification: Benign. Review status: criteria provided, single submitter. Criteria: ACMG Guidelines, 2015. Collection method: not provided. Allele origin: germline. Inheritance: Autosomal recessive inheritance. Affected: yes.